The following is an entry in ClinVar:

ClinVar aggregate classification (germline): Conflicting classifications of pathogenicity. Review status: criteria provided, conflicting classifications (1 of 4 stars). 3 submissions from 3 submitters: Uncertain significance (2); Likely benign (1). Last evaluated 2026-03-26.

Conditions:
Inborn genetic diseases. Identifiers: MedGen C0950123, MeSH D030342.

Allele frequency attached by ClinVar (database versions not stated): gnomAD exomes below 0.00001 and 0.00002; gnomAD 0.00001 and 0.00002; TOPMed 0.00002.
gnomAD v4.1: 30 of 1,613,868 alleles (0.0019%); highest among the groups gnomAD compares: Admixed American, 0.005%; no homozygotes.

Submissions (3):

Ambry Genetics
Classification: Uncertain significance for Inborn genetic diseases. Last evaluated: 2026-03-26. Review status: criteria provided, single submitter. Criteria: Ambry Variant Classification Scheme 2023. Collection method: clinical testing. Allele origin: germline.

Labcorp Genetics (formerly Invitae), Labcorp
Classification: Uncertain significance. Last evaluated: 2025-09-29. Review status: criteria provided, single submitter. Criteria: Invitae Variant Classification Sherloc (09022015). Collection method: clinical testing. Allele origin: germline.
Comment: This sequence change replaces glutamine, which is neutral and polar, with arginine, which is basic and polar, at codon 619 of the PROM1 protein (p.Gln619Arg). This variant is present in population databases (no rsID available, gnomAD no frequency). This variant has not been reported in the literature in individuals affected with PROM1-related conditions. ClinVar contains an entry for this variant (Variation ID: 809624). Invitae Evidence Modeling of protein sequence and biophysical properties (such as structural, functional, and spatial information, amino acid conservation, physicochemical variation, residue mobility, and thermodynamic stability) indicates that this missense variant is not expected to disrupt PROM1 protein function with a negative predictive value of 80%. In summary, the available evidence is currently insufficient to determine the role of this variant in disease. Therefore, it has been classified as a Variant of Uncertain Significance.

CeGaT Center for Human Genetics Tuebingen
Classification: Likely benign. Last evaluated: 2018-11-01. Review status: criteria provided, single submitter. Criteria: CeGaT Center For Human Genetics Tuebingen Variant Classification Criteria Version 2. Collection method: clinical testing. Allele origin: germline. Affected: yes. Observed: 1 variant allele.

NM_006017.3(PROM1):c.1856A>G (p.Gln619Arg)

Gene: PROM1 (prominin 1; minus strand). Cytogenetic location: 4p15.32.
Variant type: single nucleotide variant.
Coding change: c.1856A>G on transcript NM_006017.3 (MANE Select); coding-DNA position 1856, A replaced by G.
Protein change: p.Gln619Arg; replaces glutamine 619 with arginine.
Molecular consequence: missense variant.
Genome position (GRCh38, 1-based): chr4:15,992,303, T>C on the plus strand (A>G on the coding strand, the complement: PROM1 is on the minus strand). VCF-style: chr4-15992303-T-C. GRCh37 (hg19) VCF-style: chr4-15993926-T-C.
Other names: c.1856A>G (NM_006017.2); c.1829A>G, p.Gln610Arg (NM_001145847.2, NM_001145848.2, NM_001145851.2 and 4 more transcripts); c.1856A>G, p.Gln619Arg (NM_001145849.2, NM_001145850.2); short protein forms Q610R, Q619R.
Identifiers: ClinVar variation 809624 (VCV000809624.47), dbSNP rs905919709, ClinGen allele CA92581785.
Genomic context (GRCh38, chr4:15,992,303, plus strand): 5'-CATACCTGAGCCAAGTAGCTGTCATAATTCATTCTGTCTATTCCACAAGCAGCAAAATCC[T>C]GAAGGTTTTTTCTTCCTGCTGCACCCAACAGAAAGATATTAAGATTTACCTTCAGACTTT-3'
Protein context (NP_006008.1, residues 609-629): LLGAAGRKNL[Gln619Arg]DFAACGIDRM